The following is an entry in ClinVar:

NM_001040716.2(PC):c.1167G>A (p.Pro389=)

Gene: PC (pyruvate carboxylase; minus strand). Cytogenetic location: 11q13.2.
Variant type: single nucleotide variant.
Coding change: c.1167G>A on transcript NM_001040716.2 (MANE Select); coding-DNA position 1167, G replaced by A.
Protein change: p.Pro389=; no amino-acid change (proline 389 retained).
Molecular consequence: synonymous variant.
Genome position (GRCh38, 1-based): chr11:66,866,205, C>T on the plus strand (G>A on the coding strand, the complement: PC is on the minus strand). VCF-style: chr11-66866205-C-T. GRCh37 (hg19) VCF-style: chr11-66633676-C-T.
Other names: c.1167G>A, p.Pro389= (NM_000920.4, NM_022172.3).
Identifiers: ClinVar variation 305628 (VCV000305628.18), dbSNP rs556534486, ClinGen allele CA6131975.
Genomic context (GRCh38, chr11:66,866,205, plus strand): 5'-CACAGGTGAGCTGGCATCTCCCTCTGCTCGAGCTCCGCCCACCTCAATGCGGCCGGTGTC[C>T]GGCTGGAAGCTGCGCGCGGGGTCCTCGGTGGTGACCCGGCACTGGATGGCACACCCGTTG-3'
Protein context (NP_001035806.1, residues 379-399): TTEDPARSFQ[Pro389=]DTGRIEVFRS

ClinVar aggregate classification (germline): Benign/Likely benign. Review status: criteria provided, multiple submitters, no conflicts (2 of 4 stars). 3 submissions from 3 submitters: Benign (1); Likely benign (2). Last evaluated 2026-01-17.

Conditions:
Pyruvate carboxylase deficiency. Also called: ATAXIA WITH LACTIC ACIDOSIS II; LEIGH NECROTIZING ENCEPHALOPATHY DUE TO PYRUVATE CARBOXYLASE DEFICIENCY; LEIGH SYNDROME DUE TO PYRUVATE CARBOXYLASE DEFICIENCY; PC DEFICIENCY; Pyruvate Carboxylase Deficiency Disease. Identifiers: Orphanet 3008, MedGen C0034341, MONDO:0009949, OMIM 266150.

Allele frequency attached by ClinVar (database versions not stated): gnomAD 0.00002 and 0.00015; TOPMed 0.00005; gnomAD exomes 0.00044; ExAC 0.00048; 1000 Genomes Project 30x 0.00141; 1000 Genomes Project 0.00180.
gnomAD v4.1: 350 of 1,609,878 alleles (0.022%); highest among the groups gnomAD compares: South Asian, 0.29%; 3 homozygotes.

Submissions (3):

Labcorp Genetics (formerly Invitae), Labcorp
Classification: Benign for Pyruvate carboxylase deficiency. Last evaluated: 2026-01-17. Review status: criteria provided, single submitter. Criteria: Invitae Variant Classification Sherloc (09022015). Collection method: clinical testing. Allele origin: germline.

GeneDx
Classification: Likely benign. Last evaluated: 2019-03-08. Review status: criteria provided, single submitter. Criteria: GeneDx Variant Classification Process June 2021. Collection method: clinical testing. Allele origin: germline. Affected: yes.

Illumina Laboratory Services, Illumina
Classification: Likely benign for Pyruvate carboxylase deficiency. Last evaluated: 2018-01-12. Review status: criteria provided, single submitter. Criteria: ICSL Variant Classification Criteria 13 December 2019. Collection method: clinical testing. Allele origin: germline.
Comment: This variant was observed in the ICSL laboratory as part of a predisposition screen in an ostensibly healthy population. It had not been previously curated by ICSL or reported in the Human Gene Mutation Database (HGMD: prior to June 1st, 2018), and was therefore a candidate for classification through an automated scoring system. Utilizing variant allele frequency, disease prevalence and penetrance estimates, and inheritance mode, an automated score was calculated to assess if this variant is too frequent to cause the disease. Based on the score and internal cut-off values, a variant classified as likely benign is not then subjected to further curation. The score for this variant resulted in a classification of likely benign for this disease.